The following is an entry in ClinVar:

ClinVar aggregate classification (germline): Uncertain significance (1 of 4 stars; one submission).

Conditions:
Lymphoproliferative syndrome 2 (LPFS2). Also called: CD27 DEFICIENCY; Combined immunodeficiency due to CD27 deficiency. Identifiers: Orphanet 238505, MedGen C3554540, MONDO:0014054, OMIM 615122.

Allele frequency attached by ClinVar (database versions not stated): gnomAD exomes below 0.00001 and 0.00001; TOPMed below 0.00001; gnomAD 0.00001; ESP Exome Variant Server 0.00008.
gnomAD v4.1: 8 of 1,613,964 alleles (0.0005%); highest among the groups gnomAD compares: Admixed American, 0.0033%; no homozygotes.

Submission:

Labcorp Genetics (formerly Invitae), Labcorp
Classification: Uncertain significance for Lymphoproliferative syndrome 2. Last evaluated: 2024-03-01. Review status: criteria provided, single submitter. Criteria: Invitae Variant Classification Sherloc (09022015). Collection method: clinical testing. Allele origin: germline.
Comment: This sequence change replaces serine, which is neutral and polar, with asparagine, which is neutral and polar, at codon 224 of the CD27 protein (p.Ser224Asn). The frequency data for this variant in the population databases is considered unreliable, as metrics indicate poor data quality at this position in the gnomAD database. This variant has not been reported in the literature in individuals affected with CD27-related conditions. ClinVar contains an entry for this variant (Variation ID: 1442590). Algorithms developed to predict the effect of missense changes on protein structure and function output the following: SIFT: "Not Available"; PolyPhen-2: "Benign"; Align-GVGD: "Not Available". The asparagine amino acid residue is found in multiple mammalian species, which suggests that this missense change does not adversely affect protein function. In summary, the available evidence is currently insufficient to determine the role of this variant in disease. Therefore, it has been classified as a Variant of Uncertain Significance.

NM_001242.5(CD27):c.671G>A (p.Ser224Asn)

Genes: CD27 (CD27 molecule; plus strand), CD27-AS1 (CD27 antisense RNA 1; minus strand), LOC130007243 (ATAC-STARR-seq lymphoblastoid active region 5860; plus strand). Cytogenetic location: 12p13.31.
Variant type: single nucleotide variant.
Coding change: c.671G>A on transcript NM_001242.5 (MANE Select); coding-DNA position 671, G replaced by A.
Protein change: p.Ser224Asn; replaces serine 224 with asparagine.
Molecular consequence: missense variant. On other transcripts: non-coding transcript variant (1).
Genome position (GRCh38, 1-based): chr12:6,451,280, G>A. VCF-style: chr12-6451280-G-A. GRCh37 (hg19) VCF-style: chr12-6560446-G-A.
Other names: short protein forms S224N.
Identifiers: ClinVar variation 1442590 (VCV001442590.8), dbSNP rs149579617, ClinGen allele CA232322987.